The following is an entry in ClinVar:

NM_006231.4(POLE):c.3293T>G (p.Ile1098Ser)

Gene: POLE (DNA polymerase epsilon, catalytic subunit; minus strand). Cytogenetic location: 12q24.33.
Variant type: single nucleotide variant.
Coding change: c.3293T>G on transcript NM_006231.4 (MANE Select); coding-DNA position 3293, T replaced by G.
Protein change: p.Ile1098Ser; replaces isoleucine 1098 with serine.
Molecular consequence: missense variant.
Genome position (GRCh38, 1-based): chr12:132,657,953, A>C on the plus strand (T>G on the coding strand, the complement: POLE is on the minus strand). VCF-style: chr12-132657953-A-C. GRCh37 (hg19) VCF-style: chr12-133234539-A-C.
Other names: short protein forms I1098S.
Identifiers: ClinVar variation 1382335 (VCV001382335.8), dbSNP rs2138663731, ClinGen allele CA387389823.

ClinVar aggregate classification (germline): Uncertain significance (1 of 4 stars; one submission).

Submission:

Labcorp Genetics (formerly Invitae), Labcorp
Classification: Uncertain significance. Last evaluated: 2021-03-26. Review status: criteria provided, single submitter. Criteria: Invitae Variant Classification Sherloc (09022015). Collection method: clinical testing. Allele origin: germline.
Comment: In summary, the available evidence is currently insufficient to determine the role of this variant in disease. Therefore, it has been classified as a Variant of Uncertain Significance. Algorithms developed to predict the effect of sequence changes on RNA splicing suggest that this variant may create or strengthen a splice site, but this prediction has not been confirmed by published transcriptional studies. Algorithms developed to predict the effect of missense changes on protein structure and function (SIFT, PolyPhen-2, Align-GVGD) all suggest that this variant is likely to be disruptive, but these predictions have not been confirmed by published functional studies and their clinical significance is uncertain. This variant has not been reported in the literature in individuals with POLE-related conditions. This variant is not present in population databases (ExAC no frequency). This sequence change replaces isoleucine with serine at codon 1098 of the POLE protein (p.Ile1098Ser). The isoleucine residue is highly conserved and there is a large physicochemical difference between isoleucine and serine.